The following is an entry in ClinVar:

NM_000492.4(CFTR):c.274-2A>T

Gene: CFTR (CF transmembrane conductance regulator; plus strand). Cytogenetic location: 7q31.2.
Variant type: single nucleotide variant.
Coding change: c.274-2A>T on transcript NM_000492.4 (MANE Select); the canonical splice acceptor site of the intron before coding-DNA position 274, A replaced by T.
Molecular consequence: splice acceptor variant.
Genome position (GRCh38, 1-based): chr7:117,530,897, A>T. VCF-style: chr7-117530897-A-T. GRCh37 (hg19) VCF-style: chr7-117170951-A-T.
Identifiers: ClinVar variation 4818513 (VCV004818513.1).

ClinVar aggregate classification (germline): Pathogenic (1 of 4 stars; one submission).

Conditions:
CFTR-related disorder (CFTR-RD). Also called: CFTR-related disorders; CFTR-related condition. Identifiers: MedGen C5924204, MONDO:7770004.

Submission:

Natera, Inc.
Classification: Pathogenic for CFTR-related disorders. Last evaluated: 2024-10-19. Review status: criteria provided, single submitter. Criteria: Natera Variant Classification Schema (03/2026). Collection method: clinical testing. Allele origin: germline.
Comment: The c.274-2A>T variant in CFTR is a canonical splice acceptor site variant predicted to affect pre-mRNA splicing, which may result in an abnormal transcript and altered protein product. This variant is expected to result in nonsense mediated decay, truncation, or a dysfunctional protein product. This variant is rare in the general population with a frequency below the threshold expected for the associated phenotype(s). Another variant at this same site results in an alteration predicted to cause a similar molecular effect has been observed in individual(s) with the associated phenotype. Given the available evidence, this variant is classified as Pathogenic.